The following is an entry in ClinVar:

NM_006231.4(POLE):c.710A>C (p.Lys237Thr)

Gene: POLE (DNA polymerase epsilon, catalytic subunit; minus strand). Cytogenetic location: 12q24.33.
Variant type: single nucleotide variant.
Coding change: c.710A>C on transcript NM_006231.4 (MANE Select); coding-DNA position 710, A replaced by C.
Protein change: p.Lys237Thr; replaces lysine 237 with threonine.
Molecular consequence: missense variant.
Genome position (GRCh38, 1-based): chr12:132,677,588, T>G on the plus strand (A>C on the coding strand, the complement: POLE is on the minus strand). VCF-style: chr12-132677588-T-G. GRCh37 (hg19) VCF-style: chr12-133254174-T-G.
Other names: c.710A>C (NM_006231.2); short protein forms K237T.
Identifiers: ClinVar variation 642586 (VCV000642586.13), dbSNP rs879762286, ClinGen allele CA246300245.

ClinVar aggregate classification (germline): Uncertain significance. Review status: criteria provided, multiple submitters, no conflicts (2 of 4 stars). 3 submissions from 3 submitters: Uncertain significance (3). Last evaluated 2026-01-28.

Conditions:
Hereditary cancer-predisposing syndrome. Also called: Neoplastic Syndromes, Hereditary; Tumor predisposition; Hereditary neoplastic syndrome; Hereditary Cancer Syndrome. Identifiers: Orphanet 140162, MedGen C0027672, MeSH D009386, MONDO:0015356.

Allele frequency attached by ClinVar (database versions not stated): gnomAD 0.00001.
gnomAD v4.1: 2 of 1,614,102 alleles (0.00012%); highest among the groups gnomAD compares: Non-Finnish European, 0.00017%; no homozygotes.

Submissions (3):

Labcorp Genetics (formerly Invitae), Labcorp
Classification: Uncertain significance. Last evaluated: 2026-01-28. Review status: criteria provided, single submitter. Criteria: Invitae Variant Classification Sherloc (09022015). Collection method: clinical testing. Allele origin: germline.
Comment: This sequence change replaces lysine, which is basic and polar, with threonine, which is neutral and polar, at codon 237 of the POLE protein (p.Lys237Thr). This variant is not present in population databases (gnomAD no frequency). This variant has not been reported in the literature in individuals affected with POLE-related conditions. ClinVar contains an entry for this variant (Variation ID: 642586). Invitae Evidence Modeling of protein sequence and biophysical properties (such as structural, functional, and spatial information, amino acid conservation, physicochemical variation, residue mobility, and thermodynamic stability) indicates that this missense variant is expected to disrupt POLE protein function with a positive predictive value of 80%. In summary, the available evidence is currently insufficient to determine the role of this variant in disease. Therefore, it has been classified as a Variant of Uncertain Significance.

Ambry Genetics
Classification: Uncertain significance for Hereditary cancer-predisposing syndrome. Last evaluated: 2025-10-22. Review status: criteria provided, single submitter. Criteria: Ambry Variant Classification Scheme 2023. Collection method: clinical testing. Allele origin: germline.

GeneDx
Classification: Uncertain significance. Last evaluated: 2024-04-30. Review status: criteria provided, single submitter. Criteria: GeneDx Variant Classification Process June 2021. Collection method: clinical testing. Allele origin: germline. Affected: yes.
Comment: Not observed at significant frequency in large population cohorts (gnomAD); In silico analysis supports that this missense variant has a deleterious effect on protein structure/function; Has not been previously published as pathogenic or benign to our knowledge